The following is an entry in ClinVar:

ClinVar aggregate classification (germline): Uncertain significance (1 of 4 stars; one submission).

Conditions:
Hypoproteinemia, hypercatabolic (IMD43). Also called: MHC CLASS I DEFICIENCY 4; IMMUNODEFICIENCY 43; BETA-2-MICROGLOBULIN DEFICIENCY; B2M DEFICIENCY. Identifiers: MedGen C1855796, MONDO:0009434, OMIM 241600.

Submission:

Labcorp Genetics (formerly Invitae), Labcorp
Classification: Uncertain significance for Hypoproteinemia, hypercatabolic. Last evaluated: 2025-05-16. Review status: criteria provided, single submitter. Criteria: Invitae Variant Classification Sherloc (09022015). Collection method: clinical testing. Allele origin: germline.
Comment: This sequence change replaces glycine, which is neutral and non-polar, with arginine, which is basic and polar, at codon 63 of the B2M protein (p.Gly63Arg). This variant is not present in population databases (gnomAD no frequency). This variant has not been reported in the literature in individuals affected with B2M-related conditions. An algorithm developed to predict the effect of missense changes on protein structure and function (PolyPhen-2) suggests that this variant is likely to be disruptive. In summary, the available evidence is currently insufficient to determine the role of this variant in disease. Therefore, it has been classified as a Variant of Uncertain Significance.

NM_004048.4(B2M):c.187G>A (p.Gly63Arg)

Gene: B2M (beta-2-microglobulin; plus strand). Cytogenetic location: 15q21.1.
Variant type: single nucleotide variant.
Coding change: c.187G>A on transcript NM_004048.4 (MANE Select); coding-DNA position 187, G replaced by A.
Protein change: p.Gly63Arg; replaces glycine 63 with arginine.
Molecular consequence: missense variant.
Genome position (GRCh38, 1-based): chr15:44,715,542, G>A. VCF-style: chr15-44715542-G-A. GRCh37 (hg19) VCF-style: chr15-45007740-G-A.
Other names: short protein forms G63R.
Identifiers: ClinVar variation 4717560 (VCV004717560.1).